The following is an entry in ClinVar:

ClinVar aggregate classification (germline): Pathogenic (1 of 4 stars; one submission).

Submission:

Labcorp Genetics (formerly Invitae), Labcorp
Classification: Pathogenic. Last evaluated: 2023-07-24. Review status: criteria provided, single submitter. Criteria: Invitae Variant Classification Sherloc (09022015). Collection method: clinical testing. Allele origin: unknown.
Comment: This variant is a gross deletion of the genomic region encompassing exon(s) 1-2 of the PGAP3 gene, which includes the initiator codon. This deletion extends beyond the assayed region for this gene and therefore may encompass additional genes. It is expected to result in an absent or disrupted protein product. Loss-of-function variants in PGAP3 are known to be pathogenic (PMID: 2443911, 27120253). This variant has not been reported in the literature in individuals affected with PGAP3-related conditions. For these reasons, this variant has been classified as Pathogenic.

Literature cited by the submitters: PubMed 2443911; PubMed 27120253.

NC_000017.10:g.(?_37842155)_(37844267_?)del

Gene: PGAP3 (post-GPI attachment to proteins phospholipase 3; minus strand). Cytogenetic location: 17q12.
Variant type: Deletion.
Identifiers: ClinVar variation 3243214 (VCV003243214.1).